The following is an entry in ClinVar:

ClinVar aggregate classification (germline): Uncertain significance. Review status: criteria provided, multiple submitters, no conflicts (2 of 4 stars). 4 submissions from 4 submitters: Uncertain significance (4). Last evaluated 2025-10-30.

Conditions:
Cardiovascular phenotype. Identifiers: MedGen CN230736.

Allele frequency attached by ClinVar (database versions not stated): ExAC 0.00001; gnomAD 0.00001; TOPMed 0.00001.
gnomAD v4.1: 9 of 1,600,722 alleles (0.00056%); highest among the groups gnomAD compares: Admixed American, 0.0034%; no homozygotes.

Submissions (4):

Mayo Clinic Laboratories, Mayo Clinic
Classification: Uncertain significance. Last evaluated: 2025-10-30. Review status: criteria provided, single submitter. Criteria: ACMG Guidelines, 2015. Collection method: clinical testing. Allele origin: germline. Observed: 1 variant allele.

CeGaT Center for Human Genetics Tuebingen
Classification: Uncertain significance. Last evaluated: 2025-07-01. Review status: criteria provided, single submitter. Criteria: CeGaT Center For Human Genetics Tuebingen Variant Classification Criteria Version 2. Collection method: clinical testing. Allele origin: germline. Affected: yes. Observed: 1 variant allele.
Comment: TTN: PM2

Revvity Omics, Revvity
Classification: Uncertain significance. Last evaluated: 2021-11-11. Review status: criteria provided, single submitter. Criteria: ACMG Guidelines, 2015. Collection method: clinical testing. Allele origin: germline.

Ambry Genetics
Classification: Uncertain significance for Cardiovascular phenotype. Last evaluated: 2019-11-21. Review status: criteria provided, single submitter. Criteria: Ambry Variant Classification Scheme 2023. Collection method: clinical testing. Allele origin: germline.
Comment: The p.P4586T variant (also known as c.13756C>A), located in coding exon 52 of the TTN gene, results from a C to A substitution at nucleotide position 13756. The proline at codon 4586 is replaced by threonine, an amino acid with highly similar properties. This amino acid position is highly conserved in available vertebrate species. In addition, the in silico prediction for this alteration is inconclusive. Since supporting evidence is limited at this time, the clinical significance of this alteration remains unclear.

NM_001267550.2(TTN):c.40951C>A (p.Pro13651Thr)

Gene: TTN (titin; minus strand). Cytogenetic location: 2q31.2.
Variant type: single nucleotide variant.
Coding change: c.40951C>A on transcript NM_001267550.2 (MANE Select); coding-DNA position 40951, C replaced by A.
Protein change: p.Pro13651Thr; replaces proline 13651 with threonine.
Molecular consequence: missense variant.
Genome position (GRCh38, 1-based): chr2:178,636,776, G>T on the plus strand (C>A on the coding strand, the complement: TTN is on the minus strand). VCF-style: chr2-178636776-G-T. GRCh37 (hg19) VCF-style: chr2-179501503-G-T.
Other names: p.Pro11083Thr; c.36028C>A, p.Pro12010Thr (NM_001256850.1); c.13756C>A, p.Pro4586Thr (NM_003319.4); c.33247C>A, p.Pro11083Thr (NM_133378.4); c.14131C>A, p.Pro4711Thr (NM_133432.3); c.14332C>A, p.Pro4778Thr (NM_133437.4); short protein forms P11083T, P4586T, P4711T, P13651T, P4778T, P12010T.
Identifiers: ClinVar variation 1771125 (VCV001771125.13), dbSNP rs756727745, ClinGen allele CA1996332.